The following is an entry in ClinVar:

NM_021942.6(TRAPPC11):c.2560C>A (p.Leu854Ile)

Gene: TRAPPC11 (trafficking protein particle complex subunit 11; plus strand). Cytogenetic location: 4q35.1.
Variant type: single nucleotide variant.
Coding change: c.2560C>A on transcript NM_021942.6 (MANE Select); coding-DNA position 2560, C replaced by A.
Protein change: p.Leu854Ile; replaces leucine 854 with isoleucine.
Molecular consequence: missense variant.
Genome position (GRCh38, 1-based): chr4:183,694,655, C>A. VCF-style: chr4-183694655-C-A. GRCh37 (hg19) VCF-style: chr4-184615808-C-A.
Other names: c.2560C>A, p.Leu854Ile (NM_199053.3); short protein forms L854I.
Identifiers: ClinVar variation 571679 (VCV000571679.8), dbSNP rs771646323, ClinGen allele CA3152233.

ClinVar aggregate classification (germline): Uncertain significance. Review status: criteria provided, multiple submitters, no conflicts (2 of 4 stars). 2 submissions from 2 submitters: Uncertain significance (2). Last evaluated 2022-06-08.

Conditions:
Autosomal recessive limb-girdle muscular dystrophy type R18 (LGMDR18). Also called: Autosomal recessive limb-girdle muscular dystrophy type 2S; MUSCULAR DYSTROPHY, LIMB-GIRDLE, AUTOSOMAL RECESSIVE 18; Limb-girdle muscular dystrophy, type 2S. Identifiers: Orphanet 369840, MedGen C4517996, MONDO:0014144, OMIM 615356.

Allele frequency attached by ClinVar (database versions not stated): gnomAD 0.00001; ExAC 0.00001; gnomAD exomes below 0.00001 and 0.00001; TOPMed 0.00001.
gnomAD v4.1: 13 of 1,611,948 alleles (0.00081%); highest among the groups gnomAD compares: Non-Finnish European, 0.0011%; no homozygotes.

Submissions (2):

GeneDx
Classification: Uncertain significance. Last evaluated: 2022-06-08. Review status: criteria provided, single submitter. Criteria: GeneDx Variant Classification Process June 2021. Collection method: clinical testing. Allele origin: germline. Affected: yes.
Comment: Not observed at significant frequency in large population cohorts (gnomAD); In silico analysis supports that this missense variant does not alter protein structure/function; Has not been previously published as pathogenic or benign to our knowledge

Labcorp Genetics (formerly Invitae), Labcorp
Classification: Uncertain significance for Autosomal recessive limb-girdle muscular dystrophy type R18. Last evaluated: 2022-03-03. Review status: criteria provided, single submitter. Criteria: Invitae Variant Classification Sherloc (09022015). Collection method: clinical testing. Allele origin: germline.
Comment: Algorithms developed to predict the effect of missense changes on protein structure and function are either unavailable or do not agree on the potential impact of this missense change (SIFT: "Tolerated"; PolyPhen-2: "Possibly Damaging"; Align-GVGD: "Class C0"). In summary, the available evidence is currently insufficient to determine the role of this variant in disease. Therefore, it has been classified as a Variant of Uncertain Significance. ClinVar contains an entry for this variant (Variation ID: 571679). This variant has not been reported in the literature in individuals affected with TRAPPC11-related conditions. This variant is present in population databases (rs771646323, gnomAD 0.0009%). This sequence change replaces leucine, which is neutral and non-polar, with isoleucine, which is neutral and non-polar, at codon 854 of the TRAPPC11 protein (p.Leu854Ile).